The following is an entry in ClinVar:

ClinVar aggregate classification (germline): Likely benign. Review status: criteria provided, multiple submitters, no conflicts (2 of 4 stars). 2 submissions from 2 submitters: Likely benign (2). Last evaluated 2025-09-09.

Conditions:
Holoprosencephaly sequence (HPE). Also called: Holoprosencephaly. Identifiers: Orphanet 2162, MedGen C0079541, MONDO:0016296, HP:0001360.

Allele frequency attached by ClinVar (database versions not stated): TOPMed 0.00001; gnomAD 0.00003; 1000 Genomes Project 30x 0.00016; ExAC 0.00018; 1000 Genomes Project 0.00020.

Submissions (2):

Labcorp Genetics (formerly Invitae), Labcorp
Classification: Likely benign for Holoprosencephaly sequence. Last evaluated: 2025-09-09. Review status: criteria provided, single submitter. Criteria: Invitae Variant Classification Sherloc (09022015). Collection method: clinical testing. Allele origin: germline.

CeGaT Center for Human Genetics Tuebingen
Classification: Likely benign. Last evaluated: 2022-06-01. Review status: criteria provided, single submitter. Criteria: CeGaT Center For Human Genetics Tuebingen Variant Classification Criteria Version 2. Collection method: clinical testing. Allele origin: germline. Affected: yes. Observed: 1 variant allele.
Comment: FOXH1: BP4, BP7

NM_003923.3(FOXH1):c.561A>G (p.Pro187=)

Gene: FOXH1 (forkhead box H1; minus strand). Cytogenetic location: 8q24.3.
Variant type: single nucleotide variant.
Coding change: c.561A>G on transcript NM_003923.3 (MANE Select); coding-DNA position 561, A replaced by G.
Protein change: p.Pro187=; no amino-acid change (proline 187 retained).
Molecular consequence: synonymous variant.
Genome position (GRCh38, 1-based): chr8:144,474,775, T>C on the plus strand (A>G on the coding strand, the complement: FOXH1 is on the minus strand). VCF-style: chr8-144474775-T-C. GRCh37 (hg19) VCF-style: chr8-145700158-T-C.
Identifiers: ClinVar variation 2658992 (VCV002658992.25), dbSNP rs570979595, ClinGen allele CA4945497.